The following is an entry in ClinVar:

NM_145167.3(PIGM):c.232C>T (p.Pro78Ser)

Gene: PIGM (phosphatidylinositol glycan anchor biosynthesis class M; minus strand). Cytogenetic location: 1q23.2.
Variant type: single nucleotide variant.
Coding change: c.232C>T on transcript NM_145167.3 (MANE Select); coding-DNA position 232, C replaced by T.
Protein change: p.Pro78Ser; replaces proline 78 with serine.
Molecular consequence: missense variant.
Genome position (GRCh38, 1-based): chr1:160,031,508, G>A on the plus strand (C>T on the coding strand, the complement: PIGM is on the minus strand). VCF-style: chr1-160031508-G-A. GRCh37 (hg19) VCF-style: chr1-160001298-G-A.
Other names: short protein forms P78S.
Identifiers: ClinVar variation 2063350 (VCV002063350.5), dbSNP rs768409208, ClinGen allele CA1193089.

ClinVar aggregate classification (germline): Uncertain significance. Review status: criteria provided, multiple submitters, no conflicts (2 of 4 stars). 2 submissions from 2 submitters: Uncertain significance (2). Last evaluated 2025-08-04.

Conditions:
Hypercoagulability syndrome due to glycosylphosphatidylinositol deficiency (GPIBD1). Also called: GLYCOSYLPHOSPHATIDYLINOSITOL BIOSYNTHESIS DEFECT 1. Identifiers: Orphanet 83639, MedGen C5201145, MONDO:0012465, OMIM 610293.

Allele frequency attached by ClinVar (database versions not stated): ExAC 0.00007.

Submissions (2):

Ambry Genetics
Classification: Uncertain significance. Last evaluated: 2025-08-04. Review status: criteria provided, single submitter. Criteria: Ambry Variant Classification Scheme 2023. Collection method: clinical testing. Allele origin: germline.

Labcorp Genetics (formerly Invitae), Labcorp
Classification: Uncertain significance for Hypercoagulability syndrome due to glycosylphosphatidylinositol deficiency. Last evaluated: 2022-09-07. Review status: criteria provided, single submitter. Criteria: Invitae Variant Classification Sherloc (09022015). Collection method: clinical testing. Allele origin: germline.
Comment: This variant is present in population databases (rs768409208, gnomAD 0.03%). This sequence change replaces proline, which is neutral and non-polar, with serine, which is neutral and polar, at codon 78 of the PIGM protein (p.Pro78Ser). This variant has not been reported in the literature in individuals affected with PIGM-related conditions. In summary, the available evidence is currently insufficient to determine the role of this variant in disease. Therefore, it has been classified as a Variant of Uncertain Significance. Algorithms developed to predict the effect of missense changes on protein structure and function (SIFT, PolyPhen-2, Align-GVGD) all suggest that this variant is likely to be disruptive.